The following is an entry in ClinVar:

ClinVar aggregate classification (germline): Uncertain significance. Review status: criteria provided, multiple submitters, no conflicts (2 of 4 stars). 3 submissions from 3 submitters: Uncertain significance (3). Last evaluated 2025-04-08.

Conditions:
Schaaf-Yang syndrome (SHFYNG). Also called: Arthrogryposis, distal, with hypopituitarism, intellectual disability, and facial anomalies; MAGEL2-related Prader-Willi-like syndrome. Identifiers: Orphanet 398069, MedGen C5575066, MONDO:0014243, OMIM 615547.
Prader-Willi syndrome (PWS). Identifiers: Orphanet 739, MedGen C0032897, MONDO:0008300, OMIM 176270. Disease mechanism: Microdeletion, loss of function. Inheritance: Microdletion.

Allele frequency attached by ClinVar (database versions not stated): gnomAD exomes below 0.00001 and 0.00001.

Submissions (3):

Labcorp Genetics (formerly Invitae), Labcorp
Classification: Uncertain significance. Last evaluated: 2025-04-08. Review status: criteria provided, single submitter. Criteria: Invitae Variant Classification Sherloc (09022015). Collection method: clinical testing. Allele origin: germline.
Comment: This sequence change replaces alanine, which is neutral and non-polar, with threonine, which is neutral and polar, at codon 74 of the MAGEL2 protein (p.Ala74Thr). This variant is present in population databases (no rsID available, gnomAD 0.005%). This variant has not been reported in the literature in individuals affected with MAGEL2-related conditions. ClinVar contains an entry for this variant (Variation ID: 1325548). An algorithm developed to predict the effect of missense changes on protein structure and function outputs the following: PolyPhen-2: "Not Available". The threonine amino acid residue is found in multiple mammalian species, which suggests that this missense change does not adversely affect protein function. In summary, the available evidence is currently insufficient to determine the role of this variant in disease. Therefore, it has been classified as a Variant of Uncertain Significance.

Fulgent Genetics
Classification: Uncertain significance for Prader-Willi syndrome; Schaaf-Yang syndrome. Last evaluated: 2021-08-20. Review status: criteria provided, single submitter. Criteria: ACMG Guidelines, 2015. Collection method: clinical testing. Allele origin: unknown.

New York Genome Center
Classification: Uncertain significance for Schaaf-Yang syndrome. Last evaluated: 2020-07-03. Review status: criteria provided, single submitter. Criteria: NYGC Assertion Criteria 2020. Collection method: clinical testing. Allele origin: germline. Observed: 1 heterozygote. Study: CSER-NYCKidSeq.
Comment: The c.220G>A (p.Ala74Thr) missense variant in exon 1 of 1 of MAGEL2 has not been reported in affected individuals in the available literature. This variant is present in gnomAD at a low frequency (1/132528, allele frequency=0.000007546, no homozygotes), suggesting it is not a common benign variant in the populations represented in this database. In silico predictors suggest this variant is Benign (MVP; score: 0.08232) and Tolerated (SIFT; score: 0.927). Given the current evidence regarding its pathogenicity, the c.220G>A (p.Ala74Thr) variant identified in the MAGEL2 gene is reported as a Variant of Uncertain Significance.

NM_019066.5(MAGEL2):c.220G>A (p.Ala74Thr)

Gene: MAGEL2 (MAGE family member L2; minus strand). Cytogenetic location: 15q11.2.
Variant type: single nucleotide variant.
Coding change: c.220G>A on transcript NM_019066.5 (MANE Select); coding-DNA position 220, G replaced by A.
Protein change: p.Ala74Thr; replaces alanine 74 with threonine.
Molecular consequence: missense variant.
Genome position (GRCh38, 1-based): chr15:23,647,523, C>T on the plus strand (G>A on the coding strand, the complement: MAGEL2 is on the minus strand). VCF-style: chr15-23647523-C-T. GRCh37 (hg19) VCF-style: chr15-23892670-C-T.
Other names: short protein forms A74T.
Identifiers: ClinVar variation 1325548 (VCV001325548.3), dbSNP rs1216919340, ClinGen allele CA391337659.